The following is an entry in ClinVar:

NM_001371272.1(RAB11FIP5):c.1380C>T (p.Pro460=)

Gene: RAB11FIP5 (RAB11 family interacting protein 5; minus strand). Cytogenetic location: 2p13.2.
Variant type: single nucleotide variant.
Coding change: c.1380C>T on transcript NM_001371272.1 (MANE Select); coding-DNA position 1380, C replaced by T.
Protein change: p.Pro460=; no amino-acid change (proline 460 retained).
Molecular consequence: synonymous variant.
Genome position (GRCh38, 1-based): chr2:73,088,238, G>A on the plus strand (C>T on the coding strand, the complement: RAB11FIP5 is on the minus strand). VCF-style: chr2-73088238-G-A. GRCh37 (hg19) VCF-style: chr2-73315366-G-A.
Other names: c.1380C>T, p.Pro460= (NM_015470.3).
Identifiers: ClinVar variation 3052564 (VCV003052564.2), dbSNP rs748301203, ClinGen allele CA1710024.
Genomic context (GRCh38, chr2:73,088,238, plus strand): 5'-TCGGCGACCCAACTCGCTCCGACTTAGGCCTTGGTGGTGGTGGTGGAAGAGACCCATCCG[G>A]GGCTTGCGTTCCTCCTTCCGGGCTCCCTCCTTCTCTGCCACAGCCTCAGAGGAGGCCACT-3'
Protein context (NP_001358201.1, residues 450-470): KEGARKEERK[Pro460=]RMGLFHHHHQ

ClinVar aggregate classification (germline): Likely benign (0 of 4 stars; one submission).

Conditions:
RAB11FIP5-related disorder. Also called: RAB11FIP5-related condition.

Allele frequency attached by ClinVar (database versions not stated): ExAC 0.00002.
gnomAD v4.1: 43 of 1,613,804 alleles (0.0027%); highest among the groups gnomAD compares: Non-Finnish European, 0.0035%; no homozygotes.

Submission:

PreventionGenetics, part of Exact Sciences
Classification: Likely benign for RAB11FIP5-related condition. Last evaluated: 2019-08-22. Review status: no assertion criteria provided. Collection method: clinical testing. Allele origin: germline.
Comment: This variant is classified as likely benign based on ACMG/AMP sequence variant interpretation guidelines (Richards et al. 2015 PMID: 25741868, with internal and published modifications).